The following is an entry in ClinVar:

NM_004453.4(ETFDH):c.405+1G>T

Gene: ETFDH (electron transfer flavoprotein dehydrogenase; plus strand). Cytogenetic location: 4q32.1.
Variant type: single nucleotide variant.
Coding change: c.405+1G>T on transcript NM_004453.4 (MANE Select); the canonical splice donor site of the intron after coding-DNA position 405, G replaced by T.
Molecular consequence: splice donor variant.
Genome position (GRCh38, 1-based): chr4:158,682,425, G>T. VCF-style: chr4-158682425-G-T. GRCh37 (hg19) VCF-style: chr4-159603577-G-T.
Other names: c.264+1G>T (NM_001281737.2); c.222+1G>T (NM_001281738.1).
Identifiers: ClinVar variation 1474340 (VCV001474340.9), dbSNP rs2150305321, ClinGen allele CA358574556.

ClinVar aggregate classification (germline): Pathogenic/Likely pathogenic. Review status: criteria provided, multiple submitters, no conflicts (2 of 4 stars). 2 submissions from 2 submitters: Pathogenic (1); Likely pathogenic (1). Last evaluated 2024-07-11.

Conditions:
Multiple acyl-CoA dehydrogenase deficiency (MADD). Also called: Glutaric aciduria, type 2; ETHYLMALONIC-ADIPICACIDURIA; GA II; Glutaric Acidemia type 2; Glutaric acidemia type II; GA 2. Identifiers: Orphanet 26791, MedGen C0268596, MONDO:0009282, OMIM 231680.

Submissions (2):

3billion
Classification: Pathogenic for Multiple acyl-CoA dehydrogenase deficiency. Last evaluated: 2024-07-11. Review status: criteria provided, single submitter. Criteria: ACMG Guidelines, 2015. Collection method: clinical testing. Allele origin: germline. Affected: yes.
Comment: The variant is not observed in the gnomAD v4.0.0 dataset. Predicted Consequence/Location: Canonical splice site: predicted to alter splicing and result in a loss or disruption of normal protein function. Multiple pathogenic loss-of-function variants are reported downstream of the variant. In silico tools predict the variant to alter splicing and produce an abnormal transcript [SpliceAI: 0.99 (spliceogenicity >=0.2, non-spliceogenicity <0.1)]. The variant has been reported to be associated with ETFDH related disorder (ClinVar ID: VCV001474340 /PMID: 24357026). Therefore, this variant is classified as Pathogenic according to the recommendation of ACMG/AMP guideline.

Labcorp Genetics (formerly Invitae), Labcorp
Classification: Likely pathogenic for Multiple acyl-CoA dehydrogenase deficiency. Last evaluated: 2021-01-07. Review status: criteria provided, single submitter. Criteria: Invitae Variant Classification Sherloc (09022015). Collection method: clinical testing. Allele origin: germline.
Comment: This sequence change affects a donor splice site in intron 3 of the ETFDH gene. It is expected to disrupt RNA splicing. Variants that disrupt the donor or acceptor splice site typically lead to a loss of protein function (PMID: 16199547), and loss-of-function variants in ETFDH are known to be pathogenic (PMID: 16510302, 23785301). This variant is not present in population databases (ExAC no frequency). Disruption of this splice site has been observed in individual(s) with multiple acyl-CoA dehydrogenase deficiency (PMID: 24357026, 19758981). Algorithms developed to predict the effect of sequence changes on RNA splicing suggest that this variant may disrupt the consensus splice site, but this prediction has not been confirmed by published transcriptional studies. In summary, the currently available evidence indicates that the variant is pathogenic, but additional data are needed to prove that conclusively. Therefore, this variant has been classified as Likely Pathogenic.

Literature cited by the submitters: PubMed 24357026 (cited by 3billion and Labcorp Genetics (formerly Invitae), Labcorp); PubMed 16199547 (cited by Labcorp Genetics (formerly Invitae), Labcorp); PubMed 16510302 (cited by Labcorp Genetics (formerly Invitae), Labcorp); PubMed 23785301 (cited by Labcorp Genetics (formerly Invitae), Labcorp); PubMed 19758981 (cited by Labcorp Genetics (formerly Invitae), Labcorp).